The following is an entry in ClinVar:

ClinVar aggregate classification (germline): Likely benign. Review status: criteria provided, multiple submitters, no conflicts (2 of 4 stars). 3 submissions from 3 submitters: Likely benign (3). Last evaluated 2025-03-18.

Conditions:
Nephronophthisis. Also called: Juvenile Nephronophthisis. Identifiers: Orphanet 655, MedGen C0687120, MONDO:0019005, HP:0000090.
NPHP4-related disorder. Also called: NPHP4-related condition; NPHP4-related disorders. Identifiers: MedGen CN239384.

Allele frequency attached by ClinVar (database versions not stated): gnomAD exomes below 0.00001.
gnomAD v4.1: 2 of 1,613,702 alleles (0.00012%); highest among the groups gnomAD compares: Non-Finnish European, 0.00017%; no homozygotes.

Submissions (3):

PreventionGenetics, part of Exact Sciences
Classification: Likely benign for NPHP4-related condition. Last evaluated: 2025-03-18. Review status: criteria provided, single submitter. Criteria: ACMG Guidelines, 2015. Collection method: clinical testing. Allele origin: germline.
Comment: This variant is classified as likely benign based on ACMG/AMP sequence variant interpretation guidelines (Richards et al. 2015 PMID: 25741868, with internal and published modifications).

Blueprint Genetics
Classification: Likely benign. Last evaluated: 2023-10-27. Review status: criteria provided, single submitter. Criteria: ACMG Guidelines, 2015. Collection method: clinical testing. Allele origin: germline.

Labcorp Genetics (formerly Invitae), Labcorp
Classification: Likely benign for Nephronophthisis. Last evaluated: 2020-03-10. Review status: criteria provided, single submitter. Criteria: Invitae Variant Classification Sherloc (09022015). Collection method: clinical testing. Allele origin: germline.

NM_015102.5(NPHP4):c.3030C>T (p.Asp1010=)

Gene: NPHP4 (nephrocystin 4; minus strand). Cytogenetic location: 1p36.31.
Variant type: single nucleotide variant.
Coding change: c.3030C>T on transcript NM_015102.5 (MANE Select); coding-DNA position 3030, C replaced by T.
Protein change: p.Asp1010=; no amino-acid change (aspartic acid 1010 retained).
Molecular consequence: synonymous variant. On other transcripts: non-coding transcript variant (1).
Genome position (GRCh38, 1-based): chr1:5,874,888, G>A on the plus strand (C>T on the coding strand, the complement: NPHP4 is on the minus strand). VCF-style: chr1-5874888-G-A. GRCh37 (hg19) VCF-style: chr1-5934948-G-A.
Other names: c.3030C>T (NM_015102.4); c.1491C>T, p.Asp497= (NM_001291593.2); c.1494C>T, p.Asp498= (NM_001291594.2).
Identifiers: ClinVar variation 1131335 (VCV001131335.11), dbSNP rs2100630935, ClinGen allele CA416017561.
Genomic context (GRCh38, chr1:5,874,888, plus strand): 5'-GACACAGATCTGGGCTGGGGCAGGACGGGCACCACTGAGACCTCACCTGAGCTCGGGGTT[G>A]TCGATCTCCACAGTCACCGTGTGCTGTGTGTTGTGGGGGTTCTTAAGCACAAACTCAAAG-3'
Protein context (NP_055917.1, residues 1000-1020): NTQHTVTVEI[Asp1010=]NPELSVIVDS